The following is an entry in ClinVar:

NM_001267550.2(TTN):c.51500C>T (p.Thr17167Ile)

Genes: TTN (titin; minus strand), TTN-AS1 (TTN antisense RNA 1; plus strand). Cytogenetic location: 2q31.2.
Variant type: single nucleotide variant.
Coding change: c.51500C>T on transcript NM_001267550.2 (MANE Select); coding-DNA position 51500, C replaced by T.
Protein change: p.Thr17167Ile; replaces threonine 17167 with isoleucine.
Molecular consequence: missense variant.
Genome position (GRCh38, 1-based): chr2:178,609,923, G>A on the plus strand (C>T on the coding strand, the complement: TTN is on the minus strand). VCF-style: chr2-178609923-G-A. GRCh37 (hg19) VCF-style: chr2-179474650-G-A.
Other names: c.46577C>T, p.Thr15526Ile (NM_001256850.1); c.24305C>T, p.Thr8102Ile (NM_003319.4); c.43796C>T, p.Thr14599Ile (NM_133378.4); c.24680C>T, p.Thr8227Ile (NM_133432.3); c.24881C>T, p.Thr8294Ile (NM_133437.4); short protein forms T14599I, T17167I, T15526I, T8227I, T8102I, T8294I.
Identifiers: ClinVar variation 618463 (VCV000618463.13), dbSNP rs749322226, ClinGen allele CA1994179.

ClinVar aggregate classification (germline): Uncertain significance. Review status: criteria provided, multiple submitters, no conflicts (2 of 4 stars). 4 submissions from 4 submitters: Uncertain significance (4). Last evaluated 2026-01-15.

Conditions:
Cardiovascular phenotype. Identifiers: MedGen CN230736.
TTN-related disorder. Also called: TTN-related condition; TTN-related disease; TTN-related disorders.

Allele frequency attached by ClinVar (database versions not stated): ExAC 0.00001; gnomAD exomes 0.00001; gnomAD 0.00002; TOPMed 0.00003.
gnomAD v4.1: 11 of 1,612,810 alleles (0.00068%); highest among the groups gnomAD compares: African/African-American, 0.015%; no homozygotes.

Submissions (4):

PreventionGenetics, part of Exact Sciences
Classification: Uncertain significance for TTN-related condition. Last evaluated: 2026-01-15. Review status: criteria provided, single submitter. Criteria: ACMG Guidelines, 2015. Collection method: clinical testing. Allele origin: germline.
Comment: The TTN c.51500C>T variant is predicted to result in the amino acid substitution p.Thr17167Ile. To our knowledge, this variant has not been reported in the literature. This variant is reported in 0.017% of alleles in individuals of African descent in gnomAD. At this time, the clinical significance of this variant is uncertain due to the absence of conclusive functional and genetic evidence.

Revvity Omics, Revvity
Classification: Uncertain significance. Last evaluated: 2022-09-14. Review status: criteria provided, single submitter. Criteria: ACMG Guidelines, 2015. Collection method: clinical testing. Allele origin: germline.

Ambry Genetics
Classification: Uncertain significance for Cardiovascular phenotype. Last evaluated: 2019-07-15. Review status: criteria provided, single submitter. Criteria: Ambry Variant Classification Scheme 2023. Collection method: clinical testing. Allele origin: germline.
Comment: The p.T8102I variant (also known as c.24305C>T), located in coding exon 99 of the TTN gene, results from a C to T substitution at nucleotide position 24305. The threonine at codon 8102 is replaced by isoleucine, an amino acid with similar properties. This amino acid position is highly conserved in available vertebrate species. In addition, the in silico prediction for this alteration is inconclusive. Since supporting evidence is limited at this time, the clinical significance of this alteration remains unclear.

ARUP Laboratories, Molecular Genetics and Genomics, ARUP Laboratories
Classification: Uncertain significance. Last evaluated: 2018-06-20. Review status: criteria provided, single submitter. Criteria: ARUP Molecular Germline Variant Investigation Process. Collection method: clinical testing. Allele origin: germline.
Comment: The TTN c.43796C>T; p.Thr14599Ile variant is rare in the general population (<1% allele frequency in the Genome Aggregation Database) and have not been reported in the medical literature in association with dilated cardiomyopathy (DCM) or other TTN-related disease. The clinical relevance of rare missense variants in this gene, which are identified on average once per individual sequenced in affected populations (Herman 2012), is not well understood. While the clinical significance of such variants is considered uncertain, evidence suggests that the vast majority of missense variants do not contribute to the clinical outcome of DCM (Begay 2015). Given the available evidence, the clinical significance of the c.43796C>T; p.Thr14599Ile variant cannot be determined with certainty.